The following is an entry in ClinVar:

ClinVar aggregate classification (germline): Pathogenic (1 of 4 stars; one submission).

Conditions:
Renal carnitine transport defect (CDSP). Also called: Systemic primary carnitine deficiency; Carnitine transporter deficiency; Systemic primary carnitine deficiency disease; CARNITINE DEFICIENCY, SYSTEMIC, DUE TO DEFECT IN RENAL REABSORPTION OF CARNITINE; Primary carnitine deficiency; CARNITINE TRANSPORTER, PLASMA-MEMBRANE, DEFICIENCY OF. Identifiers: Orphanet 158, MedGen C0342788, MONDO:0008919, OMIM 212140.

Allele frequency attached by ClinVar (database versions not stated): gnomAD exomes below 0.00001.
gnomAD v4.1: 1 of 1,613,318 alleles (0.000062%); highest among the groups gnomAD compares: Non-Finnish European, 0.000085%; no homozygotes.

Submission:

Labcorp Genetics (formerly Invitae), Labcorp
Classification: Pathogenic for Renal carnitine transport defect. Last evaluated: 2020-01-29. Review status: criteria provided, single submitter. Criteria: Invitae Variant Classification Sherloc (09022015). Collection method: clinical testing. Allele origin: germline.
Comment: For these reasons, this variant has been classified as Pathogenic. Loss-of-function variants in SLC22A5 are known to be pathogenic (PMID: 9916797). This variant has not been reported in the literature in individuals with SLC22A5-related conditions. This variant is not present in population databases (ExAC no frequency). This sequence change creates a premature translational stop signal (p.Glu13*) in the SLC22A5 gene. It is expected to result in an absent or disrupted protein product.

Literature cited by the submitters: PubMed 9916797.

NM_003060.4(SLC22A5):c.37G>T (p.Glu13Ter)

Gene: SLC22A5 (solute carrier family 22 member 5; plus strand). Cytogenetic location: 5q31.1.
Variant type: single nucleotide variant.
Coding change: c.37G>T on transcript NM_003060.4 (MANE Select); coding-DNA position 37, G replaced by T.
Protein change: p.Glu13Ter; replaces glutamic acid 13 with a stop codon.
Molecular consequence: nonsense.
Genome position (GRCh38, 1-based): chr5:132,370,009, G>T. VCF-style: chr5-132370009-G-T. GRCh37 (hg19) VCF-style: chr5-131705701-G-T.
Other names: c.37G>T, p.Glu13Ter (NM_001308122.2); short protein forms E13*.
Identifiers: ClinVar variation 1068932 (VCV001068932.7), dbSNP rs553647459, ClinGen allele CA360802249.
Genomic context (GRCh38, chr5:132,370,009, plus strand): 5'-GCTCTGTGGGCCTCTGAGGGCGGCATGCGGGACTACGACGAGGTGACCGCCTTCCTGGGC[G>T]AGTGGGGGCCCTTCCAGCGCCTCATCTTCTTCCTGCTCAGCGCCAGCATCATCCCCAATG-3'